The following is an entry in ClinVar:

NM_005157.6(ABL1):c.3101A>C (p.Asp1034Ala)

Gene: ABL1 (ABL proto-oncogene 1, non-receptor tyrosine kinase; plus strand). Cytogenetic location: 9q34.12.
Variant type: single nucleotide variant.
Coding change: c.3101A>C on transcript NM_005157.6 (MANE Select); coding-DNA position 3101, A replaced by C.
Protein change: p.Asp1034Ala; replaces aspartic acid 1034 with alanine.
Molecular consequence: missense variant.
Genome position (GRCh38, 1-based): chr9:130,885,391, A>C. VCF-style: chr9-130885391-A-C. GRCh37 (hg19) VCF-style: chr9-133760778-A-C.
Other names: c.3158A>C, p.Asp1053Ala (NM_007313.3); short protein forms D1034A, D1053A.
Identifiers: ClinVar variation 1359061 (VCV001359061.8), dbSNP rs1170504567, ClinGen allele CA375261085.

ClinVar aggregate classification (germline): Uncertain significance (1 of 4 stars; one submission).

Allele frequency attached by ClinVar (database versions not stated): gnomAD exomes below 0.00001.
gnomAD v4.1: 2 of 1,613,694 alleles (0.00012%); highest among the groups gnomAD compares: Non-Finnish European, 0.00017%; no homozygotes.

Submission:

Labcorp Genetics (formerly Invitae), Labcorp
Classification: Uncertain significance. Last evaluated: 2021-06-10. Review status: criteria provided, single submitter. Criteria: Invitae Variant Classification Sherloc (09022015). Collection method: clinical testing. Allele origin: germline.
Comment: This sequence change replaces aspartic acid with alanine at codon 1053 of the ABL1 protein (p.Asp1053Ala). The aspartic acid residue is weakly conserved and there is a moderate physicochemical difference between aspartic acid and alanine. This variant is not present in population databases (ExAC no frequency). This variant has not been reported in the literature in individuals with ABL1-related conditions. Advanced modeling of protein sequence and biophysical properties (such as structural, functional, and spatial information, amino acid conservation, physicochemical variation, residue mobility, and thermodynamic stability) performed at Invitae indicates that this missense variant is not expected to disrupt ABL1 protein function. In summary, the available evidence is currently insufficient to determine the role of this variant in disease. Therefore, it has been classified as a Variant of Uncertain Significance.